The following is an entry in ClinVar:

NM_001008537.3(NEXMIF):c.652C>T (p.Arg218Ter)

Gene: NEXMIF (neurite extension and migration factor; minus strand). Cytogenetic location: Xq13.3.
Variant type: single nucleotide variant.
Coding change: c.652C>T on transcript NM_001008537.3 (MANE Select); coding-DNA position 652, C replaced by T.
Protein change: p.Arg218Ter; replaces arginine 218 with a stop codon.
Molecular consequence: nonsense.
Genome position (GRCh38, 1-based): chrX:74,743,905, G>A on the plus strand (C>T on the coding strand, the complement: NEXMIF is on the minus strand). VCF-style: chrX-74743905-G-A. GRCh37 (hg19) VCF-style: chrX-73963740-G-A.
Other names: short protein forms R218*.
Identifiers: ClinVar variation 242323 (VCV000242323.56), dbSNP rs758719615, ClinGen allele CA10583970.
Genomic context (GRCh38, chrX:74,743,905, plus strand): 5'-CCTCATAATAGCTTTTCTGAGCCGGATCCTCCAAGTCAATGTCAGGTTTCTCAGTTTCTC[G>A]TCTGTCTCCTGCCCTTGACTTATGCAGGGGGAAGCCTAGGAGCTGGTCTGAGAGCAGCTG-3'

ClinVar aggregate classification (germline): Pathogenic. Review status: criteria provided, multiple submitters, no conflicts (2 of 4 stars). 6 submissions from 6 submitters: Pathogenic (6). Last evaluated 2025-05-27.

Conditions:
Continuous spike and waves during slow sleep. Identifiers: MedGen C3806403, HP:0031491.
X-linked intellectual disability, Cantagrel type (XLID98). Also called: INTELLECTUAL DEVELOPMENTAL DISORDER, X-LINKED 98. Identifiers: Orphanet 85277, MedGen C3806730, MONDO:0010483, OMIM 300912.

Submissions (6):

Ambry Genetics
Classification: Pathogenic. Last evaluated: 2025-05-27. Review status: criteria provided, single submitter. Criteria: Ambry Variant Classification Scheme 2023. Collection method: clinical testing. Allele origin: germline.
Comment: The c.652C>T (p.R218*) alteration, located in exon 3 (coding exon 2) of the KIAA2022 gene, consists of a C to T substitution at nucleotide position 652. This changes the amino acid from a arginine (R) to a stop codon at amino acid position 218. This alteration is expected to result in loss of function by premature protein truncation or nonsense-mediated mRNA decay. This variant was not reported in population-based cohorts in the Genome Aggregation Database (gnomAD). This variant was reported in multiple females and at least one male with features consistent with NEXMIF-related neurodevelopmental disorder; in at least one individual, it was determined to be a de novo variant (de Lange, 2016; Lorenzo, 2018; Stamberger, 2021). Based on the available evidence, this alteration is classified as pathogenic.

Labcorp Genetics (formerly Invitae), Labcorp
Classification: Pathogenic. Last evaluated: 2024-10-24. Review status: criteria provided, single submitter. Criteria: Invitae Variant Classification Sherloc (09022015). Collection method: clinical testing. Allele origin: germline.
Comment: This sequence change creates a premature translational stop signal (p.Arg218*) in the NEXMIF gene. It is expected to result in an absent or disrupted protein product. Loss-of-function variants in NEXMIF are known to be pathogenic (PMID: 23615299). This variant is not present in population databases (gnomAD no frequency). This premature translational stop signal has been observed in individual(s) with seizures and intellectual disability (PMID: 27358180, 29693785). ClinVar contains an entry for this variant (Variation ID: 242323). For these reasons, this variant has been classified as Pathogenic.

GeneDx
Classification: Pathogenic. Last evaluated: 2022-04-26. Review status: criteria provided, single submitter. Criteria: GeneDx Variant Classification Process June 2021. Collection method: clinical testing. Allele origin: germline. Affected: yes.
Comment: Nonsense variant predicted to result in protein truncation or nonsense mediated decay in a gene for which loss-of-function is a known mechanism of disease; Not observed in large population cohorts (gnomAD); This variant is associated with the following publications: (PMID: 28135719, 29693785, 27568816, 27358180, 33504798, 33144681, 31785789)

Fulgent Genetics
Classification: Pathogenic for X-linked intellectual disability, Cantagrel type. Last evaluated: 2021-07-16. Review status: criteria provided, single submitter. Criteria: ACMG Guidelines, 2015. Collection method: clinical testing. Allele origin: unknown.

CeGaT Center for Human Genetics Tuebingen
Classification: Pathogenic. Last evaluated: 2017-10-01. Review status: criteria provided, single submitter. Criteria: CeGaT Center For Human Genetics Tuebingen Variant Classification Criteria Version 2. Collection method: clinical testing. Allele origin: germline. Affected: yes. Observed: 1 variant allele.

Center of Genomic medicine, Geneva, University Hospital of Geneva
Classification: Pathogenic for Continuous spike and waves during slow-wave sleep syndrome. Last evaluated: 2017-09-14. Review status: criteria provided, single submitter. Criteria: ACMG Guidelines, 2015. Collection method: clinical testing. Allele origin: de novo. Affected: yes.

Literature cited by the submitters: PubMed 27358180 (cited by Ambry Genetics and Labcorp Genetics (formerly Invitae), Labcorp); PubMed 29693785 (cited by Ambry Genetics and Labcorp Genetics (formerly Invitae), Labcorp); PubMed 33144681 (cited by Ambry Genetics); PubMed 23615299 (cited by Labcorp Genetics (formerly Invitae), Labcorp).